The following is an entry in ClinVar:

NM_020911.2(PLXNA4):c.5200G>A (p.Val1734Ile)

Gene: PLXNA4 (plexin A4; minus strand). Cytogenetic location: 7q32.3.
Variant type: single nucleotide variant.
Coding change: c.5200G>A on transcript NM_020911.2 (MANE Select); coding-DNA position 5200, G replaced by A.
Protein change: p.Val1734Ile; replaces valine 1734 with isoleucine.
Molecular consequence: missense variant.
Genome position (GRCh38, 1-based): chr7:132,145,144, C>T on the plus strand (G>A on the coding strand, the complement: PLXNA4 is on the minus strand). VCF-style: chr7-132145144-C-T. GRCh37 (hg19) VCF-style: chr7-131829903-C-T.
Other names: c.5200G>A, p.Val1734Ile (NM_001393897.1); short protein forms V1734I.
Identifiers: ClinVar variation 2636586 (VCV002636586.3), dbSNP rs1345661289, ClinGen allele CA369306592.

ClinVar aggregate classification (germline): Uncertain significance (1 of 4 stars; one submission).

Conditions:
PLXNA4-related disorder. Also called: PLXNA4-related condition.

Allele frequency attached by ClinVar (database versions not stated): gnomAD 0.00001; gnomAD exomes 0.00001; TOPMed 0.00002.
gnomAD v4.1: 19 of 1,613,990 alleles (0.0012%); highest among the groups gnomAD compares: African/African-American, 0.0013%; no homozygotes.

Submission:

PreventionGenetics, part of Exact Sciences
Classification: Uncertain significance for PLXNA4-related condition. Last evaluated: 2025-11-05. Review status: criteria provided, single submitter. Criteria: ACMG Guidelines, 2015. Collection method: clinical testing. Allele origin: germline.
Comment: The PLXNA4 c.5200G>A variant is predicted to result in the amino acid substitution p.Val1734Ile. To our knowledge, this variant has not been reported in the literature or in a large population database, indicating this variant is rare. At this time, the clinical significance of this variant is uncertain due to the absence of conclusive functional and genetic evidence.